The following is an entry in ClinVar:

ClinVar aggregate classification (germline): Uncertain significance (1 of 4 stars; one submission).

Conditions:
Cystinuria (CSNU). Also called: Cystinuria, non-type I; CYSTINURIA, TYPE I; CYSTINURIA, TYPE II; CYSTINURIA, TYPE III. Identifiers: Orphanet 214, MedGen C0010691, MONDO:0009067, OMIM 220100, HP:0003131.

Submission:

Labcorp Genetics (formerly Invitae), Labcorp
Classification: Uncertain significance for Cystinuria. Last evaluated: 2024-08-13. Review status: criteria provided, single submitter. Criteria: Invitae Variant Classification Sherloc (09022015). Collection method: clinical testing. Allele origin: germline.
Comment: This sequence change replaces isoleucine, which is neutral and non-polar, with phenylalanine, which is neutral and non-polar, at codon 594 of the SLC3A1 protein (p.Ile594Phe). This variant is not present in population databases (gnomAD no frequency). This variant has not been reported in the literature in individuals affected with SLC3A1-related conditions. Invitae Evidence Modeling of protein sequence and biophysical properties (such as structural, functional, and spatial information, amino acid conservation, physicochemical variation, residue mobility, and thermodynamic stability) has been performed for this missense variant. However, the output from this modeling did not meet the statistical confidence thresholds required to predict the impact of this variant on SLC3A1 protein function. In summary, the available evidence is currently insufficient to determine the role of this variant in disease. Therefore, it has been classified as a Variant of Uncertain Significance.

NM_000341.4(SLC3A1):c.1780A>T (p.Ile594Phe)

Genes: PREPL (prolyl endopeptidase like; minus strand), SLC3A1 (solute carrier family 3 member 1; plus strand). Cytogenetic location: 2p21.
Variant type: single nucleotide variant.
Coding change: c.1780A>T on transcript NM_000341.4 (MANE Select); coding-DNA position 1780, A replaced by T.
Protein change: p.Ile594Phe; replaces isoleucine 594 with phenylalanine.
Molecular consequence: missense variant. On other transcripts: 3 prime UTR variant (10).
Genome position (GRCh38, 1-based): chr2:44,320,361, A>T. VCF-style: chr2-44320361-A-T. GRCh37 (hg19) VCF-style: chr2-44547500-A-T.
Other names: c.*995T>A (NM_001374275.1, NM_001374276.1, NM_001374277.1 and 7 more transcripts); short protein forms I594F.
Identifiers: ClinVar variation 3662307 (VCV003662307.2).